The following is an entry in ClinVar:

ClinVar aggregate classification (germline): Conflicting classifications of pathogenicity. Review status: criteria provided, conflicting classifications (1 of 4 stars). 4 submissions from 4 submitters: Uncertain significance (3); Likely benign (1). Last evaluated 2025-11-19.

Conditions:
ALK-related disorder. Also called: ALK-related condition.
Hereditary cancer-predisposing syndrome. Also called: Neoplastic Syndromes, Hereditary; Tumor predisposition; Hereditary neoplastic syndrome; Hereditary Cancer Syndrome. Identifiers: Orphanet 140162, MedGen C0027672, MeSH D009386, MONDO:0015356.
Neuroblastoma, susceptibility to, 3. Also called: ALK-Related Neuroblastic Tumor Susceptibility. Identifiers: Orphanet 635, MedGen C2751681, MONDO:0013083, OMIM 613014.

Allele frequency attached by ClinVar (database versions not stated): gnomAD 0.00001; TOPMed 0.00001; gnomAD exomes below 0.00001; ExAC 0.00001.
gnomAD v4.1: 6 of 1,603,824 alleles (0.00037%); highest among the groups gnomAD compares: Admixed American, 0.0017%; no homozygotes.

Submissions (4):

Labcorp Genetics (formerly Invitae), Labcorp
Classification: Uncertain significance for Neuroblastoma, susceptibility to, 3. Last evaluated: 2025-11-19. Review status: criteria provided, single submitter. Criteria: Invitae Variant Classification Sherloc (09022015). Collection method: clinical testing. Allele origin: germline.
Comment: This sequence change replaces proline, which is neutral and non-polar, with leucine, which is neutral and non-polar, at codon 36 of the ALK protein (p.Pro36Leu). This variant is present in population databases (rs773691688, gnomAD 0.003%). This variant has not been reported in the literature in individuals affected with ALK-related conditions. ClinVar contains an entry for this variant (Variation ID: 470733). An algorithm developed to predict the effect of missense changes on protein structure and function outputs the following: PolyPhen-2: "Benign". The leucine amino acid residue is found in multiple mammalian species, which suggests that this missense change does not adversely affect protein function. In summary, the available evidence is currently insufficient to determine the role of this variant in disease. Therefore, it has been classified as a Variant of Uncertain Significance.

Dasa
Classification: Uncertain significance. Last evaluated: 2025-06-20. Review status: criteria provided, single submitter. Criteria: DASA Assertion Criteria. Collection method: clinical testing. Allele origin: germline.
Comment: NM_004304.5(ALK):c.107C>T (p.Pro36Leu) is a missense variant that results in the substitution of proline with leucine. This variant is rare in population databases. Computational prediction algorithms are consistent with a benign effect. The currently available literature and clinical evidence are not sufficient to establish a definitive association between this variant and the reported condition. Therefore, this variant is classified as a variant of uncertain significance.

PreventionGenetics, part of Exact Sciences
Classification: Uncertain significance for ALK-related condition. Last evaluated: 2023-01-31. Review status: criteria provided, single submitter. Criteria: ACMG Guidelines, 2015. Collection method: clinical testing. Allele origin: germline.
Comment: The ALK c.107C>T variant is predicted to result in the amino acid substitution p.Pro36Leu. To our knowledge, this variant has not been reported in the literature. This variant is reported in 0.0034% of alleles in individuals of South Asian descent in gnomAD. In ClinVar, this variant is interpreted as uncertain/likely benign. At this time, the clinical significance of this variant is uncertain due to the absence of conclusive functional and genetic evidence.

Ambry Genetics
Classification: Likely benign for Hereditary cancer-predisposing syndrome. Last evaluated: 2022-04-08. Review status: criteria provided, single submitter. Criteria: Ambry Variant Classification Scheme 2023. Collection method: clinical testing. Allele origin: germline.

NM_004304.5(ALK):c.107C>T (p.Pro36Leu)

Gene: ALK (ALK receptor tyrosine kinase; minus strand). Cytogenetic location: 2p23.1.
Variant type: single nucleotide variant.
Coding change: c.107C>T on transcript NM_004304.5 (MANE Select); coding-DNA position 107, C replaced by T.
Protein change: p.Pro36Leu; replaces proline 36 with leucine.
Molecular consequence: missense variant.
Genome position (GRCh38, 1-based): chr2:29,920,553, G>A on the plus strand (C>T on the coding strand, the complement: ALK is on the minus strand). VCF-style: chr2-29920553-G-A. GRCh37 (hg19) VCF-style: chr2-30143419-G-A.
Other names: short protein forms P36L.
Identifiers: ClinVar variation 470733 (VCV000470733.14), dbSNP rs773691688, ClinGen allele CA1595046.